The following is an entry in ClinVar:

ClinVar aggregate classification (germline): Pathogenic/Likely pathogenic. Review status: criteria provided, multiple submitters, no conflicts (2 of 4 stars). 2 submissions from 2 submitters: Pathogenic (1); Likely pathogenic (1). Last evaluated 2024-04-25.

Conditions:
Familial X-linked hypophosphatemic vitamin D refractory rickets (XLHRD). Also called: X-Linked Hypophosphatemia; HYPOPHOSPHATEMIC VITAMIN D-RESISTANT RICKETS; Hypophosphatemic Rickets, X-Linked Dominant; Hypophosphatemia, vitamin D-resistant rickets; Vitamin D-resistant rickets, X-linked. Identifiers: Orphanet 89936, MedGen C0733682, MONDO:0010619, OMIM 307800.
PHEX-related disorder. Also called: PHEX-related condition.

Submissions (2):

Department of Clinical Biochemistry, University General Hospital Attikon, Medical School, National & Kapodistrian University of Athens
Classification: Pathogenic for Familial X-linked hypophosphatemic vitamin D refractory rickets. Last evaluated: 2024-04-25. Review status: criteria provided, single submitter. Criteria: ACMG Guidelines, 2015. Collection method: clinical testing. Allele origin: germline. Affected: yes. Observed: 2 variant alleles.
Comment: The genetic variation c.1525A>C in exon 14 leads to the substitution of the amino acid threonine by the amino acid proline at position 509 of the corresponding protein. The detected genetic change has not been described in the literature in patients with X-linked hypophosphatemic rickets (XLD; #307800). According to computational models predicting pathogenicity, this specific change is described as possibly pathogenic (PolyPhen score: 0.996), while substitution of the same amino acid (threonine) at position 509 of the protein by another amino acid (leucine) is reported as pathogenic and has been described in patients with XLH (PMID: 34806794).

Blueprint Genetics
Classification: Likely pathogenic for PHEX-related disorders. Last evaluated: 2017-08-08. Review status: criteria provided, single submitter. Criteria: ACMG Guidelines, 2015. Collection method: clinical testing. Allele origin: germline. Affected: yes. Observed: 1 variant allele.

NM_000444.6(PHEX):c.1525A>C (p.Thr509Pro)

Gene: PHEX (phosphate regulating endopeptidase X-linked; plus strand). Cytogenetic location: Xp22.11.
Variant type: single nucleotide variant.
Coding change: c.1525A>C on transcript NM_000444.6 (MANE Select); coding-DNA position 1525, A replaced by C.
Protein change: p.Thr509Pro; replaces threonine 509 with proline.
Molecular consequence: missense variant.
Genome position (GRCh38, 1-based): chrX:22,178,315, A>C. VCF-style: chrX-22178315-A-C. GRCh37 (hg19) VCF-style: chrX-22196432-A-C.
Other names: c.1525A>C, p.Thr509Pro (NM_001282754.2); short protein forms T509P.
Identifiers: ClinVar variation 3544426 (VCV003544426.2).